The following is an entry in ClinVar:

NM_001958.5(EEF1A2):c.-33C>T

Gene: EEF1A2 (eukaryotic translation elongation factor 1 alpha 2; minus strand). Cytogenetic location: 20q13.33.
Variant type: single nucleotide variant.
Coding change: c.-33C>T on transcript NM_001958.5 (MANE Select); 33 bases upstream of the start codon, C replaced by T.
Molecular consequence: 5 prime UTR variant.
Genome position (GRCh38, 1-based): chr20:63,497,796, G>A on the plus strand (C>T on the coding strand, the complement: EEF1A2 is on the minus strand). VCF-style: chr20-63497796-G-A. GRCh37 (hg19) VCF-style: chr20-62129149-G-A.
Identifiers: ClinVar variation 668633 (VCV000668633.1), dbSNP rs764730193, ClinGen allele CA317448395.

ClinVar aggregate classification (germline): Likely benign (1 of 4 stars; one submission).

Allele frequency attached by ClinVar (database versions not stated): gnomAD 0.00001 and 0.00003; TOPMed 0.00001 and below 0.00001; gnomAD exomes 0.00001.
gnomAD v4.1: 10 of 1,600,886 alleles (0.00062%); highest among the groups gnomAD compares: Middle Eastern, 0.018%; no homozygotes.

Submission:

GeneDx
Classification: Likely benign. Last evaluated: 2018-05-24. Review status: criteria provided, single submitter. Criteria: GeneDx Variant Classification (06012015). Collection method: clinical testing. Allele origin: germline. Affected: yes.
Comment: This variant is considered likely benign or benign based on one or more of the following criteria: it is a conservative change, it occurs at a poorly conserved position in the protein, it is predicted to be benign by multiple in silico algorithms, and/or has population frequency not consistent with disease.